The following is an entry in ClinVar:

NM_016343.4(CENPF):c.8106G>A (p.Arg2702=)

Gene: CENPF (centromere protein F; plus strand). Cytogenetic location: 1q41.
Variant type: single nucleotide variant.
Coding change: c.8106G>A on transcript NM_016343.4 (MANE Select); coding-DNA position 8106, G replaced by A.
Protein change: p.Arg2702=; no amino-acid change (arginine 2702 retained).
Molecular consequence: synonymous variant.
Genome position (GRCh38, 1-based): chr1:214,651,832, G>A. VCF-style: chr1-214651832-G-A. GRCh37 (hg19) VCF-style: chr1-214825175-G-A.
Identifiers: ClinVar variation 4534586 (VCV004534586.6).

ClinVar aggregate classification (germline): Likely benign (1 of 4 stars; one submission).

Submission:

CeGaT Center for Human Genetics Tuebingen
Classification: Likely benign. Last evaluated: 2026-04-01. Review status: criteria provided, single submitter. Criteria: CeGaT Center For Human Genetics Tuebingen Variant Classification Criteria Version 2. Collection method: clinical testing. Allele origin: germline. Affected: yes. Observed: 2 variant alleles.
Comment: CENPF: PM2:Supporting, BP4, BP7